The following is an entry in ClinVar:

ClinVar aggregate classification (germline): Uncertain significance (1 of 4 stars; one submission).

Conditions:
Cardiovascular phenotype. Identifiers: MedGen CN230736.

Allele frequency attached by ClinVar (database versions not stated): gnomAD exomes below 0.00001; TOPMed 0.00002; gnomAD 0.00003; 1000 Genomes Project 30x 0.00016; 1000 Genomes Project 0.00020.
gnomAD v4.1: 5 of 1,549,898 alleles (0.00032%); highest among the groups gnomAD compares: African/African-American, 0.0068%; no homozygotes.

Submission:

Ambry Genetics
Classification: Uncertain significance for Cardiovascular phenotype. Last evaluated: 2021-08-14. Review status: criteria provided, single submitter. Criteria: Ambry Variant Classification Scheme 2023. Collection method: clinical testing. Allele origin: germline.
Comment: The p.V150M variant (also known as c.448G>A), located in coding exon 1 of the ZNF469 gene, results from a G to A substitution at nucleotide position 448. The valine at codon 150 is replaced by methionine, an amino acid with highly similar properties. This amino acid position is conserved. In addition, this alteration is predicted to be tolerated by in silico analysis. Since supporting evidence is limited at this time, the clinical significance of this alteration remains unclear.

NM_001367624.2(ZNF469):c.448G>A (p.Val150Met)

Gene: ZNF469 (zinc finger protein 469; plus strand). Cytogenetic location: 16q24.2.
Variant type: single nucleotide variant.
Coding change: c.448G>A on transcript NM_001367624.2 (MANE Select); coding-DNA position 448, G replaced by A.
Protein change: p.Val150Met; replaces valine 150 with methionine.
Molecular consequence: missense variant.
Genome position (GRCh38, 1-based): chr16:88,427,918, G>A. VCF-style: chr16-88427918-G-A. GRCh37 (hg19) VCF-style: chr16-88494326-G-A.
Other names: NM_001127464.1:c.448G>A; short protein forms V150M.
Identifiers: ClinVar variation 1740957 (VCV001740957.2), dbSNP rs565385445, ClinGen allele CA286371623.